The following is an entry in ClinVar:

ClinVar aggregate classification (germline): Likely benign (1 of 4 stars; one submission).

Allele frequency attached by ClinVar (database versions not stated): ExAC 0.00211.

Submission:

CeGaT Center for Human Genetics Tuebingen
Classification: Likely benign. Last evaluated: 2023-08-01. Review status: criteria provided, single submitter. Criteria: CeGaT Center For Human Genetics Tuebingen Variant Classification Criteria Version 2. Collection method: clinical testing. Allele origin: germline. Affected: yes. Observed: 1 variant allele.
Comment: RRBP1: BP4, BP7

NM_001365613.2(RRBP1):c.1230A>G (p.Lys410=)

Gene: RRBP1 (ribosome binding protein 1; minus strand). Cytogenetic location: 20p12.1.
Variant type: single nucleotide variant.
Coding change: c.1230A>G on transcript NM_001365613.2 (MANE Select); coding-DNA position 1230, A replaced by G.
Protein change: p.Lys410=; no amino-acid change (lysine 410 retained).
Molecular consequence: synonymous variant. On other transcripts: intron variant (2).
Genome position (GRCh38, 1-based): chr20:17,659,278, T>C on the plus strand (A>G on the coding strand, the complement: RRBP1 is on the minus strand). VCF-style: chr20-17659278-T-C. GRCh37 (hg19) VCF-style: chr20-17639923-T-C.
Other names: c.529-589A>G (NM_004587.3, NM_001042576.2).
Identifiers: ClinVar variation 2652215 (VCV002652215.24), dbSNP rs12481272, ClinGen allele CA9773932.
Genomic context (GRCh38, chr20:17,659,278, plus strand): 5'-CTTGCCCTGGTTCTGGGCCCCCTCGGCCTTTTTGCCCTGATTCTGGGCCCCCTCGGCCTT[T>C]TTGCCCTGGTTCTGGGCACCCTCAGCCTTCTTGCCCTGGTTCTGGGCCCCTTCTACTTTT-3'
Protein context (NP_001352542.1, residues 400-420): KKAEGAQNQG[Lys410=]KAEGAQNQGK